The following is an entry in ClinVar:

NM_000077.5(CDKN2A):c.36G>A (p.Ser12=)

Gene: CDKN2A (cyclin dependent kinase inhibitor 2A; minus strand). Cytogenetic location: 9p21.3.
Variant type: single nucleotide variant.
Coding change: c.36G>A on transcript NM_000077.5; coding-DNA position 36, G replaced by A.
Protein change: p.Ser12=; no amino-acid change (serine 12 retained).
Molecular consequence: synonymous variant (on NM_000077.6). On other transcripts: intron variant (2).
Genome position (GRCh38, 1-based): chr9:21,974,792, C>T on the plus strand (G>A on the coding strand, the complement: CDKN2A is on the minus strand). VCF-style: chr9-21974792-C-T. GRCh37 (hg19) VCF-style: chr9-21974791-C-T.
Other names: c.36G>A, p.Ser12= (NM_000077.6, NM_001195132.2, NM_058197.5); c.-3-3584G>A (NM_001363763.2); c.194-3584G>A (NM_058195.4).
Identifiers: ClinVar variation 1172273 (VCV001172273.5), dbSNP rs1313234793, ClinGen allele CA464100197.

ClinVar aggregate classification (germline): Benign/Likely benign. Review status: criteria provided, multiple submitters, no conflicts (2 of 4 stars). 3 submissions from 3 submitters: Benign (1); Likely benign (2). Last evaluated 2025-08-13.

Conditions:
Melanoma-pancreatic cancer syndrome. Identifiers: Orphanet 404560, MedGen C1838547, MONDO:0011713, OMIM 606719. Disease mechanism: loss of function.
Hereditary cancer-predisposing syndrome. Also called: Tumor predisposition; Hereditary neoplastic syndrome; Hereditary Cancer Syndrome; Neoplastic Syndromes, Hereditary. Identifiers: Orphanet 140162, MedGen C0027672, MeSH D009386, MONDO:0015356.

Allele frequency attached by ClinVar (database versions not stated): gnomAD exomes below 0.00001; TOPMed below 0.00001.
gnomAD v4.1: 2 of 1,607,308 alleles (0.00012%); highest among the groups gnomAD compares: Non-Finnish European, 0.00017%; no homozygotes.

Submissions (3):

Myriad Genetics, Inc.
Classification: Benign for Melanoma-pancreatic cancer syndrome. Last evaluated: 2025-08-13. Review status: criteria provided, single submitter. Criteria: Myriad Autosomal Dominant, Autosomal Recessive and X-Linked Classification Criteria (2023). Collection method: clinical testing. Allele origin: unknown.
Comment: This variant is considered benign. This variant is a silent/synonymous amino acid change and it is not expected to impact splicing.

Ambry Genetics
Classification: Likely benign for Hereditary cancer-predisposing syndrome. Last evaluated: 2023-04-08. Review status: criteria provided, single submitter. Criteria: Ambry Variant Classification Scheme 2023. Collection method: clinical testing. Allele origin: germline.

Color Diagnostics, LLC DBA Color Health
Classification: Likely benign for Hereditary cancer-predisposing syndrome. Last evaluated: 2020-12-01. Review status: criteria provided, single submitter. Criteria: ACMG Guidelines, 2015. Collection method: clinical testing. Allele origin: germline.